The following is an entry in ClinVar:

NM_001286.5(CLCN6):c.45C>G (p.Cys15Trp)

Gene: CLCN6 (chloride voltage-gated channel 6; plus strand). Cytogenetic location: 1p36.22.
Variant type: single nucleotide variant.
Coding change: c.45C>G on transcript NM_001286.5 (MANE Select); coding-DNA position 45, C replaced by G.
Protein change: p.Cys15Trp; replaces cysteine 15 with tryptophan.
Molecular consequence: missense variant. On other transcripts: non-coding transcript variant (1).
Genome position (GRCh38, 1-based): chr1:11,806,307, C>G. VCF-style: chr1-11806307-C-G. GRCh37 (hg19) VCF-style: chr1-11866364-C-G.
Other names: c.45C>G, p.Cys15Trp (NM_001256959.2); short protein forms C15W.
Identifiers: ClinVar variation 4694991 (VCV004694991.1).

ClinVar aggregate classification (germline): Uncertain significance (1 of 4 stars; one submission).

Submission:

Labcorp Genetics (formerly Invitae), Labcorp
Classification: Uncertain significance. Last evaluated: 2025-10-24. Review status: criteria provided, single submitter. Criteria: Invitae Variant Classification Sherloc (09022015). Collection method: clinical testing. Allele origin: germline.
Comment: This sequence change replaces cysteine, which is neutral and slightly polar, with tryptophan, which is neutral and slightly polar, at codon 15 of the CLCN6 protein (p.Cys15Trp). This variant is not present in population databases (gnomAD no frequency). This variant has not been reported in the literature in individuals affected with CLCN6-related conditions. Experimental studies and prediction algorithms are not available or were not evaluated, and the functional significance of this variant is currently unknown. In summary, the available evidence is currently insufficient to determine the role of this variant in disease. Therefore, it has been classified as a Variant of Uncertain Significance.